The following is an entry in ClinVar:

ClinVar aggregate classification (germline): Conflicting classifications of pathogenicity. Review status: criteria provided, conflicting classifications (1 of 4 stars). 8 submissions from 8 submitters: Uncertain significance (1); Benign (3); Likely benign (3). 1 of the submissions does not count toward it. Last evaluated 2026-01-24.

Conditions:
MYO15A-related disorder. Also called: MYO15A-related condition.
Autosomal recessive nonsyndromic hearing loss 3. Also called: NEUROSENSORY NONSYNDROMIC RECESSIVE DEAFNESS 3. Identifiers: Orphanet 90636, MedGen C1838263, MONDO:0010860, OMIM 600316.

Allele frequency attached by ClinVar (database versions not stated): 1000 Genomes Project 30x 0.00078; 1000 Genomes Project 0.00100; TOPMed 0.00159; gnomAD 0.00183 and 0.00190; gnomAD exomes 0.00190 and 0.00240; ExAC 0.00208; ESP Exome Variant Server 0.00259.
gnomAD v4.1: 3,716 of 1,606,396 alleles (0.23%); highest among the groups gnomAD compares: Non-Finnish European, 0.28%; 9 homozygotes.

Submissions (8):

Labcorp Genetics (formerly Invitae), Labcorp
Classification: Benign. Last evaluated: 2026-01-24. Review status: criteria provided, single submitter. Criteria: Invitae Variant Classification Sherloc (09022015). Collection method: clinical testing. Allele origin: germline.

CeGaT Center for Human Genetics Tuebingen
Classification: Likely benign. Last evaluated: 2026-01-01. Review status: criteria provided, single submitter. Criteria: CeGaT Center For Human Genetics Tuebingen Variant Classification Criteria Version 2. Collection method: clinical testing. Allele origin: germline. Affected: yes. Observed: 5 variant alleles.
Comment: MYO15A: BP4, BP7

Blueprint Genetics
Classification: Likely benign. Last evaluated: 2024-11-27. Review status: criteria provided, single submitter. Criteria: ACMG Guidelines, 2015. Collection method: clinical testing. Allele origin: germline.

Athena Diagnostics
Classification: Benign. Last evaluated: 2018-11-05. Review status: criteria provided, single submitter. Criteria: Athena Diagnostics Criteria. Collection method: clinical testing. Allele origin: germline.

Illumina Laboratory Services, Illumina
Classification: Uncertain significance for Autosomal recessive nonsyndromic hearing loss 3. Last evaluated: 2018-01-13. Review status: criteria provided, single submitter. Criteria: ICSL Variant Classification Criteria 13 December 2019. Collection method: clinical testing. Allele origin: germline.

GeneDx
Classification: Likely benign. Last evaluated: 2017-09-28. Review status: criteria provided, single submitter. Criteria: GeneDx Variant Classification (06012015). Collection method: clinical testing. Allele origin: germline. Affected: yes.
Comment: This variant is considered likely benign or benign based on one or more of the following criteria: it is a conservative change, it occurs at a poorly conserved position in the protein, it is predicted to be benign by multiple in silico algorithms, and/or has population frequency not consistent with disease.

Laboratory for Molecular Medicine, Mass General Brigham Personalized Medicine
Classification: Benign. Last evaluated: 2017-05-31. Review status: criteria provided, single submitter. Criteria: LMM Criteria. Collection method: clinical testing. Allele origin: germline. Observed: 5 variant alleles.
Comment: p.His2937His in Exon 51 of MYO15A: This variant is not expected to have clinical significance because it does not alter an amino acid residue, is not located wi thin the splice consensus sequence, and It has been identified in 0.3% (392/1234 32) European chromosomes including 1 homozygote by the Genome Aggregation Databa se (gnomAD; dbSNP rs200583193).

PreventionGenetics, part of Exact Sciences
Classification: Likely benign for MYO15A-related condition. Last evaluated: 2019-04-08. Review status: no assertion criteria provided. Collection method: clinical testing. Allele origin: germline. Not counted in ClinVar's aggregate classification.
Comment: This variant is classified as likely benign based on ACMG/AMP sequence variant interpretation guidelines (Richards et al. 2015 PMID: 25741868, with internal and published modifications).

NM_016239.4(MYO15A):c.8811C>T (p.His2937=)

Gene: MYO15A (myosin XVA; plus strand). Cytogenetic location: 17p11.2.
Variant type: single nucleotide variant.
Coding change: c.8811C>T on transcript NM_016239.4 (MANE Select); coding-DNA position 8811, C replaced by T.
Protein change: p.His2937=; no amino-acid change (histidine 2937 retained).
Molecular consequence: synonymous variant.
Genome position (GRCh38, 1-based): chr17:18,157,744, C>T. VCF-style: chr17-18157744-C-T. GRCh37 (hg19) VCF-style: chr17-18061058-C-T.
Identifiers: ClinVar variation 164558 (VCV000164558.43), dbSNP rs200583193, ClinGen allele CA177263.